The following is an entry in ClinVar:

ClinVar aggregate classification (germline): Uncertain significance (1 of 4 stars; one submission).

Conditions:
Inborn genetic diseases. Identifiers: MedGen C0950123, MeSH D030342.

gnomAD v4.1: 1 of 1,610,904 alleles (0.000062%); highest among the groups gnomAD compares: Non-Finnish European, 0.000085%; no homozygotes.

Submission:

Ambry Genetics
Classification: Uncertain significance for Inborn genetic diseases. Last evaluated: 2024-12-27. Review status: criteria provided, single submitter. Criteria: Ambry Variant Classification Scheme 2023. Collection method: clinical testing. Allele origin: germline.
Comment: The p.P167T variant (also known as c.499C>A), located in coding exon 5 of the RECQL4 gene, results from a C to A substitution at nucleotide position 499. The proline at codon 167 is replaced by threonine, an amino acid with highly similar properties. This amino acid position is conserved. In addition, this alteration is predicted to be tolerated by in silico analysis. Based on the available evidence, the clinical significance of this variant remains unclear.

NM_004260.4(RECQL4):c.499C>A (p.Pro167Thr)

Gene: RECQL4 (RecQ like helicase 4; minus strand). Cytogenetic location: 8q24.3.
Variant type: single nucleotide variant.
Coding change: c.499C>A on transcript NM_004260.4 (MANE Select); coding-DNA position 499, C replaced by A.
Protein change: p.Pro167Thr; replaces proline 167 with threonine.
Molecular consequence: missense variant. On other transcripts: 5 prime UTR variant (15), non-coding transcript variant (3), intron variant (3).
Genome position (GRCh38, 1-based): chr8:144,516,620, G>T on the plus strand (C>A on the coding strand, the complement: RECQL4 is on the minus strand). VCF-style: chr8-144516620-G-T. GRCh37 (hg19) VCF-style: chr8-145742004-G-T.
Other names: c.499C>A, p.Pro167Thr (NM_001413017.1, NM_001413018.1, NM_001413019.1 and 4 more transcripts); c.-573C>A (NM_001413022.1, NM_001413023.1, NM_001413024.1 and 5 more transcripts); c.370C>A, p.Pro124Thr (NM_001413025.1); c.-635C>A (NM_001413027.1, NM_001413030.1, NM_001413031.1 and 2 more transcripts); c.-477C>A (NM_001413034.1); c.-842C>A (NM_001413043.1); c.355-207C>A (NM_001413029.1); c.-366-207C>A (NM_001413021.1); and 1 more; short protein forms P124T, P167T.
Identifiers: ClinVar variation 3431933 (VCV003431933.2).